The following is an entry in ClinVar:

NM_000108.5(DLD):c.1148A>G (p.His383Arg)

Gene: DLD (dihydrolipoamide dehydrogenase; plus strand). Cytogenetic location: 7q31.1.
Variant type: single nucleotide variant.
Coding change: c.1148A>G on transcript NM_000108.5 (MANE Select); coding-DNA position 1148, A replaced by G.
Protein change: p.His383Arg; replaces histidine 383 with arginine.
Molecular consequence: missense variant.
Genome position (GRCh38, 1-based): chr7:107,917,374, A>G. VCF-style: chr7-107917374-A-G. GRCh37 (hg19) VCF-style: chr7-107557819-A-G.
Other names: c.851A>G, p.His284Arg (NM_001289750.1); c.1079A>G, p.His360Arg (NM_001289751.1); c.1004A>G, p.His335Arg (NM_001289752.1); short protein forms H284R, H360R, H335R, H383R.
Identifiers: ClinVar variation 2199785 (VCV002199785.1), dbSNP rs1256562543, ClinGen allele CA368858350.

ClinVar aggregate classification (germline): Uncertain significance (1 of 4 stars; one submission).

Conditions:
Pyruvate dehydrogenase E3 deficiency (DLDD). Also called: Lipoamide dehydrogenase deficiency, lactic acidosis due to; Lipoamide dehydrogenase deficiency; Dihydrolipoamide Dehydrogenase Deficiency; Dihydrolipoamide Dehydrogenase (E3) Deficiency; MAPLE SYRUP URINE DISEASE, TYPE III; DLD DEFICIENCY. Identifiers: Orphanet 2394, Orphanet 765, MedGen C5574660, MONDO:0009529, OMIM 246900.

Submission:

Labcorp Genetics (formerly Invitae), Labcorp
Classification: Uncertain significance for Pyruvate dehydrogenase E3 deficiency. Last evaluated: 2021-11-12. Review status: criteria provided, single submitter. Criteria: Invitae Variant Classification Sherloc (09022015). Collection method: clinical testing. Allele origin: germline.
Comment: This sequence change replaces histidine, which is basic and polar, with arginine, which is basic and polar, at codon 383 of the DLD protein (p.His383Arg). This variant is not present in population databases (gnomAD no frequency). This variant has not been reported in the literature in individuals affected with DLD-related conditions. Algorithms developed to predict the effect of missense changes on protein structure and function (SIFT, PolyPhen-2, Align-GVGD) all suggest that this variant is likely to be disruptive. In summary, the available evidence is currently insufficient to determine the role of this variant in disease. Therefore, it has been classified as a Variant of Uncertain Significance.